The following is an entry in ClinVar:

ClinVar aggregate classification (germline): Uncertain significance (1 of 4 stars; one submission).

Conditions:
Congenital muscular hypertrophy-cerebral syndrome (CDLS2). Also called: SMC1A-Related Cornelia de Lange Syndrome; Cornelia de Lange syndrome 2. Identifiers: Orphanet 199, MedGen C1802395, MONDO:0010370, OMIM 300590.

Submission:

Labcorp Genetics (formerly Invitae), Labcorp
Classification: Uncertain significance for Congenital muscular hypertrophy-cerebral syndrome. Last evaluated: 2024-08-11. Review status: criteria provided, single submitter. Criteria: Invitae Variant Classification Sherloc (09022015). Collection method: clinical testing. Allele origin: germline.
Comment: This sequence change replaces lysine, which is basic and polar, with arginine, which is basic and polar, at codon 805 of the SMC1A protein (p.Lys805Arg). This variant is not present in population databases (gnomAD no frequency). This variant has not been reported in the literature in individuals affected with SMC1A-related conditions. Advanced modeling of protein sequence and biophysical properties (such as structural, functional, and spatial information, amino acid conservation, physicochemical variation, residue mobility, and thermodynamic stability) performed at Invitae indicates that this missense variant is not expected to disrupt SMC1A protein function with a negative predictive value of 80%. In summary, the available evidence is currently insufficient to determine the role of this variant in disease. Therefore, it has been classified as a Variant of Uncertain Significance.

NM_006306.4(SMC1A):c.2414A>G (p.Lys805Arg)

Gene: SMC1A (structural maintenance of chromosomes 1A; minus strand). Cytogenetic location: Xp11.22.
Variant type: single nucleotide variant.
Coding change: c.2414A>G on transcript NM_006306.4 (MANE Select); coding-DNA position 2414, A replaced by G.
Protein change: p.Lys805Arg; replaces lysine 805 with arginine.
Molecular consequence: missense variant.
Genome position (GRCh38, 1-based): chrX:53,403,572, T>C on the plus strand (A>G on the coding strand, the complement: SMC1A is on the minus strand). VCF-style: chrX-53403572-T-C. GRCh37 (hg19) VCF-style: chrX-53430504-T-C.
Other names: c.2348A>G, p.Lys783Arg (NM_001281463.1); short protein forms K805R, K783R.
Identifiers: ClinVar variation 3661942 (VCV003661942.2).